The following is an entry in ClinVar:

ClinVar aggregate classification (germline): Uncertain significance. Review status: criteria provided, multiple submitters, no conflicts (2 of 4 stars). 3 submissions from 3 submitters: Uncertain significance (3). Last evaluated 2024-08-26.

Conditions:
Epidermolysis bullosa simplex 5B, with muscular dystrophy (EBS5B). Also called: EPIDERMOLYSIS BULLOSA SIMPLEX AND LIMB-GIRDLE MUSCULAR DYSTROPHY; Epidermolysis bullosa simplex with muscular dystrophy. Identifiers: Orphanet 257, MedGen C2931072, MONDO:0009181, OMIM 226670.
Epidermolysis bullosa simplex, Ogna type (EBS5A). Also called: Pidermolysis bullosa simplex 5A, Ogna type; EPIDERMOLYSIS BULLOSA SIMPLEX 5A, OGNA TYPE. Identifiers: Orphanet 79401, MedGen C0432317, MONDO:0007555, OMIM 131950.
Autosomal recessive limb-girdle muscular dystrophy type 2Q (LGMDR17). Also called: MUSCULAR DYSTROPHY, LIMB-GIRDLE, AUTOSOMAL RECESSIVE 17. Identifiers: Orphanet 254361, MedGen C3150989, MONDO:0013390, OMIM 613723.
Epidermolysis bullosa simplex 5C, with pyloric atresia (EBS5C). Also called: Epidermolysis bullosa simplex with pyloric atresia; PLEC1-Related Epidermolysis Bullosa with Pyloric Atresia; PLEC-Related Epidermolysis Bullosa with Pyloric Atresia. Identifiers: Orphanet 158684, MedGen C2677349, MONDO:0012807, OMIM 612138.
Epidermolysis bullosa simplex with nail dystrophy (EBS5D). Identifiers: MedGen C4225309, MONDO:0014661, OMIM 616487.

Allele frequency attached by ClinVar (database versions not stated): gnomAD exomes below 0.00001 and 0.00001; gnomAD 0.00001; TOPMed 0.00003.
gnomAD v4.1: 13 of 1,602,468 alleles (0.00081%); highest among the groups gnomAD compares: Admixed American, 0.005%; no homozygotes.

Submissions (3):

Labcorp Genetics (formerly Invitae), Labcorp
Classification: Uncertain significance for Autosomal recessive limb-girdle muscular dystrophy type 2Q; Epidermolysis bullosa simplex, Ogna type; Epidermolysis bullosa simplex with nail dystrophy; Epidermolysis bullosa simplex 5C, with pyloric atresia; Epidermolysis bullosa simplex 5B, with muscular dystrophy. Last evaluated: 2024-08-26. Review status: criteria provided, single submitter. Criteria: Invitae Variant Classification Sherloc (09022015). Collection method: clinical testing. Allele origin: germline.
Comment: This sequence change replaces glutamic acid, which is acidic and polar, with lysine, which is basic and polar, at codon 2275 of the PLEC protein (p.Glu2275Lys). The frequency data for this variant in the population databases is considered unreliable, as metrics indicate poor data quality at this position in the gnomAD database. This variant has not been reported in the literature in individuals affected with PLEC-related conditions. ClinVar contains an entry for this variant (Variation ID: 500693). An algorithm developed to predict the effect of missense changes on protein structure and function (PolyPhen-2) suggests that this variant is likely to be disruptive. In summary, the available evidence is currently insufficient to determine the role of this variant in disease. Therefore, it has been classified as a Variant of Uncertain Significance.

Revvity Omics, Revvity
Classification: Uncertain significance. Last evaluated: 2023-10-17. Review status: criteria provided, single submitter. Criteria: ACMG Guidelines, 2015. Collection method: clinical testing. Allele origin: germline.

Eurofins Ntd Llc (ga)
Classification: Uncertain significance. Last evaluated: 2017-03-03. Review status: criteria provided, single submitter. Criteria: EGL Classification Definitions 2015. Collection method: clinical testing. Allele origin: germline. Observed: 1 variant allele, 1 heterozygote.

NM_201384.3(PLEC):c.6742G>A (p.Glu2248Lys)

Gene: PLEC (plectin; minus strand). Cytogenetic location: 8q24.3.
Variant type: single nucleotide variant.
Coding change: c.6742G>A on transcript NM_201384.3 (MANE Select); coding-DNA position 6742, G replaced by A.
Protein change: p.Glu2248Lys; replaces glutamic acid 2248 with lysine.
Molecular consequence: missense variant.
Genome position (GRCh38, 1-based): chr8:143,923,187, C>T on the plus strand (G>A on the coding strand, the complement: PLEC is on the minus strand). VCF-style: chr8-143923187-C-T. GRCh37 (hg19) VCF-style: chr8-144997355-C-T.
Other names: c.6823G>A, p.Glu2275Lys (NM_000445.5); c.6700G>A, p.Glu2234Lys (NM_201378.4); c.6676G>A, p.Glu2226Lys (NM_201379.3); c.7153G>A, p.Glu2385Lys (NM_201380.4); c.6646G>A, p.Glu2216Lys (NM_201381.3); c.6742G>A, p.Glu2248Lys (NM_201382.4); c.6754G>A, p.Glu2252Lys (NM_201383.3); c.6823G>A (NM_000445.3); short protein forms E2216K, E2226K, E2234K, E2248K, E2252K, E2275K, E2385K.
Identifiers: ClinVar variation 500693 (VCV000500693.11), dbSNP rs1554691569, ClinGen allele CA372532758.